The following is an entry in ClinVar:

ClinVar aggregate classification (germline): Pathogenic. Review status: criteria provided, multiple submitters, no conflicts (2 of 4 stars). 2 submissions from 2 submitters: Pathogenic (2). Last evaluated 2024-11-01.

Conditions:
PKD1-related disorder. Also called: PKD1-related condition.

Submissions (2):

CeGaT Center for Human Genetics Tuebingen
Classification: Pathogenic. Last evaluated: 2024-11-01. Review status: criteria provided, single submitter. Criteria: CeGaT Center For Human Genetics Tuebingen Variant Classification Criteria Version 2. Collection method: clinical testing. Allele origin: germline. Affected: yes. Observed: 1 variant allele.
Comment: PKD1: PVS1, PM2, PS4:Supporting

Blueprint Genetics
Classification: Pathogenic for PKD1-related disorders. Last evaluated: 2024-01-10. Review status: criteria provided, single submitter. Criteria: ACMG Guidelines, 2015. Collection method: clinical testing. Allele origin: germline. Affected: yes. Observed: 2 variant alleles.

NM_001009944.3(PKD1):c.4135G>T (p.Glu1379Ter)

Gene: PKD1 (polycystin 1, transient receptor potential channel interacting; minus strand). Cytogenetic location: 16p13.3.
Variant type: single nucleotide variant.
Coding change: c.4135G>T on transcript NM_001009944.3 (MANE Select); coding-DNA position 4135, G replaced by T.
Protein change: p.Glu1379Ter; replaces glutamic acid 1379 with a stop codon.
Molecular consequence: nonsense.
Genome position (GRCh38, 1-based): chr16:2,111,032, C>A on the plus strand (G>T on the coding strand, the complement: PKD1 is on the minus strand). VCF-style: chr16-2111032-C-A. GRCh37 (hg19) VCF-style: chr16-2161033-C-A.
Other names: c.4135G>T, p.Glu1379Ter (NM_000296.4); short protein forms E1379*.
Identifiers: ClinVar variation 3389448 (VCV003389448.15).
Genomic context (GRCh38, chr16:2,111,032, plus strand): 5'-AGGCCTCGTCCCCGAGCTGCACAAACTGCCTCTCTGGCTGCAGGGTGACGTTGCCCACCT[C>A]TGGCTCCACGCAGATGCTGGTGAAGTAATGCGCCCTGTTCACGCGGCTGGACAGCACCAG-3'